The following is an entry in ClinVar:

ClinVar aggregate classification (germline): Uncertain significance. Review status: criteria provided, multiple submitters, no conflicts (2 of 4 stars). 3 submissions from 3 submitters: Uncertain significance (3). Last evaluated 2022-02-20.

Conditions:
Cardiovascular phenotype. Identifiers: MedGen CN230736.
Naxos disease (NXD). Also called: KERATOSIS PALMOPLANTARIS WITH ARRHYTHMOGENIC CARDIOMYOPATHY; MAL DE NAXOS; PALMOPLANTAR KERATODERMA WITH ARRHYTHMOGENIC RIGHT VENTRICULAR CARDIOMYOPATHY AND WOOLLY HAIR; WOOLLY HAIR, PALMOPLANTAR KERATODERMA, AND CARDIAC ABNORMALITIES; CARDIOMYOPATHY, ARRHYTHMOGENIC RIGHT VENTRICULAR, WITH SKIN, HAIR, AND NAIL ABNORMALITIES. Identifiers: Orphanet 34217, MedGen C1832600, MONDO:0011017, OMIM 601214.
Arrhythmogenic right ventricular dysplasia 12. Also called: ARRHYTHMOGENIC RIGHT VENTRICULAR DYSPLASIA, FAMILIAL, 12. Identifiers: MedGen C1969081, MONDO:0012684, OMIM 611528.

Allele frequency attached by ClinVar (database versions not stated): gnomAD 0.00001; ExAC 0.00002; TOPMed 0.00002; ESP Exome Variant Server 0.00008.
gnomAD v4.1: 111 of 1,612,968 alleles (0.0069%); highest among the groups gnomAD compares: Non-Finnish European, 0.0092%; no homozygotes.

Submissions (3):

Labcorp Genetics (formerly Invitae), Labcorp
Classification: Uncertain significance for Arrhythmogenic right ventricular dysplasia 12; Naxos disease. Last evaluated: 2022-02-20. Review status: criteria provided, single submitter. Criteria: Invitae Variant Classification Sherloc (09022015). Collection method: clinical testing. Allele origin: germline.
Comment: This sequence change replaces arginine, which is basic and polar, with serine, which is neutral and polar, at codon 377 of the JUP protein (p.Arg377Ser). This variant is present in population databases (rs368564000, gnomAD 0.004%). This missense change has been observed in individual(s) with dilated cardiomyopathy (PMID: 27532257). ClinVar contains an entry for this variant (Variation ID: 409983). Algorithms developed to predict the effect of missense changes on protein structure and function are either unavailable or do not agree on the potential impact of this missense change (SIFT: "Deleterious"; PolyPhen-2: "Probably Damaging"; Align-GVGD: "Class C0"). In summary, the available evidence is currently insufficient to determine the role of this variant in disease. Therefore, it has been classified as a Variant of Uncertain Significance.

Fulgent Genetics
Classification: Uncertain significance for Naxos disease; Arrhythmogenic right ventricular dysplasia 12. Last evaluated: 2021-07-22. Review status: criteria provided, single submitter. Criteria: ACMG Guidelines, 2015. Collection method: clinical testing. Allele origin: unknown.

Ambry Genetics
Classification: Uncertain significance for Cardiovascular phenotype. Last evaluated: 2019-06-27. Review status: criteria provided, single submitter. Criteria: Ambry Variant Classification Scheme 2023. Collection method: clinical testing. Allele origin: germline.
Comment: The p.R377S variant (also known as c.1129C>A), located in coding exon 6 of the JUP gene, results from a C to A substitution at nucleotide position 1129. The arginine at codon 377 is replaced by serine, an amino acid with dissimilar properties. This alteration has been reported in a dilated cardiomyopathy clinical genetic testing cohort; however, clinical details were limited (Walsh R et al. Genet. Med., 2017 02;19:192-203). This amino acid position is highly conserved in available vertebrate species. In addition, this alteration is predicted to be deleterious by in silico analysis. Since supporting evidence is limited at this time, the clinical significance of this alteration remains unclear.

Literature cited by the submitters: PubMed 27532257 (cited by Labcorp Genetics (formerly Invitae), Labcorp and Ambry Genetics).

NM_002230.4(JUP):c.1129C>A (p.Arg377Ser)

Gene: JUP (junction plakoglobin; minus strand). Cytogenetic location: 17q21.2.
Variant type: single nucleotide variant.
Coding change: c.1129C>A on transcript NM_002230.4 (MANE Select); coding-DNA position 1129, C replaced by A.
Protein change: p.Arg377Ser; replaces arginine 377 with serine.
Molecular consequence: missense variant.
Genome position (GRCh38, 1-based): chr17:41,764,742, G>T on the plus strand (C>A on the coding strand, the complement: JUP is on the minus strand). VCF-style: chr17-41764742-G-T. GRCh37 (hg19) VCF-style: chr17-39920994-G-T.
Other names: c.1129C>A, p.Arg377Ser (NM_001352773.2, NM_001352774.2, NM_001352775.2 and 3 more transcripts); short protein forms R377S.
Identifiers: ClinVar variation 409983 (VCV000409983.10), dbSNP rs368564000, ClinGen allele CA8565277.
Genomic context (GRCh38, chr17:41,764,742, plus strand): 5'-GGTCAACCCCAGGCCCAGATACCTCCCTCACCTGCTTGGTGGCCACATCTGAGAGGTTGC[G>T]CAGGGTCCACAGGCAGTTCTGCACCAGGCGGGGGCTGTTGCTGGTCAGGTGCTTGCCCAG-3'
Protein context (NP_002221.1, residues 367-387): RLVQNCLWTL[Arg377Ser]NLSDVATKQE